The following is an entry in ClinVar:

NM_000051.4(ATM):c.3468G>A (p.Thr1156=)

Gene: ATM (ATM serine/threonine kinase; plus strand). Cytogenetic location: 11q22.3.
Variant type: single nucleotide variant.
Coding change: c.3468G>A on transcript NM_000051.4 (MANE Select); coding-DNA position 3468, G replaced by A.
Protein change: p.Thr1156=; no amino-acid change (threonine 1156 retained).
Molecular consequence: synonymous variant.
Genome position (GRCh38, 1-based): chr11:108,281,060, G>A. VCF-style: chr11-108281060-G-A. GRCh37 (hg19) VCF-style: chr11-108151787-G-A.
Other names: c.3468G>A, p.Thr1156= (NM_001351834.2); c.3468G>A (NM_000051.1).
Identifiers: ClinVar variation 183906 (VCV000183906.55), dbSNP rs148358896, ClinGen allele CA186944.

ClinVar aggregate classification (germline): Conflicting classifications of pathogenicity. Review status: criteria provided, conflicting classifications (1 of 4 stars). 15 submissions from 15 submitters: Uncertain significance (1); Benign (1); Likely benign (12). 1 of the submissions does not count toward it. Last evaluated 2026-01-16.

Conditions:
ATM-related disorder. Also called: ATM-related disorders; ATM-related condition.
Hereditary cancer-predisposing syndrome. Also called: Tumor predisposition; Neoplastic Syndromes, Hereditary; Hereditary Cancer Syndrome; Hereditary neoplastic syndrome. Identifiers: Orphanet 140162, MedGen C0027672, MeSH D009386, MONDO:0015356.
Familial cancer of breast. Also called: hereditary breast carcinoma; BREAST CANCER, FAMILIAL; Hereditary breast cancer. Identifiers: Orphanet 227535, MedGen C0346153, MONDO:0016419, OMIM 114480. Disease mechanism: loss of function.
Ataxia-telangiectasia syndrome (AT). Also called: LOUIS-BAR SYNDROME; Ataxia-telangiectasia, complementation group D; Ataxia telangiectasia (A-T); AT, COMPLEMENTATION GROUP C; ATAXIA-TELANGIECTASIA, COMPLEMENTATION GROUP A; ATAXIA-TELANGIECTASIA, FRESNO VARIANT. Identifiers: Orphanet 100, MedGen C0004135, MONDO:0008840, OMIM 208900.

Allele frequency attached by ClinVar (database versions not stated): ExAC 0.00004; gnomAD 0.00004 and 0.00005; gnomAD exomes 0.00004 and 0.00014; TOPMed 0.00005; ESP Exome Variant Server 0.00015.
gnomAD v4.1: 208 of 1,613,572 alleles (0.013%); highest among the groups gnomAD compares: Non-Finnish European, 0.017%; no homozygotes.

Submissions (15):

Labcorp Genetics (formerly Invitae), Labcorp
Classification: Likely benign for Ataxia-telangiectasia syndrome. Last evaluated: 2026-01-16. Review status: criteria provided, single submitter. Criteria: Invitae Variant Classification Sherloc (09022015). Collection method: clinical testing. Allele origin: germline.

Institute for Biomarker Research, Medical Diagnostic Laboratories, L.L.C.
Classification: Likely benign for Hereditary cancer-predisposing syndrome. Last evaluated: 2025-10-14. Review status: criteria provided, single submitter. Criteria: ACMG Guidelines, 2015. Collection method: clinical testing. Allele origin: germline.
Comment: The synonymous variant NM_000051.4(ATM):c.3468G>A (p.Thr1156=) has not been reported previously as a pathogenic variant, to our knowledge. The p.Thr1156= variant is not predicted to disrupt an existing splice site. For these reasons, this variant has been classified as Likely Benign.

Quest Diagnostics Nichols Institute San Juan Capistrano
Classification: Uncertain significance. Last evaluated: 2025-03-08. Review status: criteria provided, single submitter. Criteria: Quest Diagnostics criteria. Collection method: clinical testing. Allele origin: unknown.

Center for Genomic Medicine, Rigshospitalet, Copenhagen University Hospital
Classification: Likely benign. Last evaluated: 2025-03-04. Review status: criteria provided, single submitter. Criteria: ACMG Guidelines, 2015. Collection method: clinical testing. Allele origin: germline.

Blueprint Genetics
Classification: Likely benign. Last evaluated: 2024-11-14. Review status: criteria provided, single submitter. Criteria: ACMG Guidelines, 2015. Collection method: clinical testing. Allele origin: germline.

Myriad Genetics, Inc.
Classification: Benign for Familial cancer of breast. Last evaluated: 2024-05-14. Review status: criteria provided, single submitter. Criteria: Myriad Autosomal Dominant, Autosomal Recessive and X-Linked Classification Criteria (2023). Collection method: clinical testing. Allele origin: unknown.
Comment: This variant is considered benign. This variant is a silent/synonymous amino acid change and it is not expected to impact splicing.

CeGaT Center for Human Genetics Tuebingen
Classification: Likely benign. Last evaluated: 2024-02-01. Review status: criteria provided, single submitter. Criteria: CeGaT Center For Human Genetics Tuebingen Variant Classification Criteria Version 2. Collection method: clinical testing. Allele origin: germline. Affected: yes. Observed: 2 variant alleles.
Comment: ATM: BP4

ARUP Laboratories, Molecular Genetics and Genomics, ARUP Laboratories
Classification: Likely benign. Last evaluated: 2024-01-03. Review status: criteria provided, single submitter. Criteria: ARUP Molecular Germline Variant Investigation Process 2024. Collection method: clinical testing. Allele origin: germline.

Department of Pathology and Laboratory Medicine, Sinai Health System
Classification: Likely benign for Familial cancer of breast. Last evaluated: 2022-05-12. Review status: criteria provided, single submitter. Criteria: ACMG Guidelines, 2015. Collection method: clinical testing. Allele origin: germline. Affected: yes.

Sema4
Classification: Likely benign for Hereditary cancer-predisposing syndrome. Last evaluated: 2021-11-24. Review status: criteria provided, single submitter. Criteria: Sema4 Curation Guidelines. Collection method: curation. Allele origin: germline.

Women's Health and Genetics/Laboratory Corporation of America, LabCorp
Classification: Likely benign. Last evaluated: 2021-07-31. Review status: criteria provided, single submitter. Criteria: LabCorp Variant Classification Summary - May 2015. Collection method: clinical testing. Allele origin: germline.

GeneDx
Classification: Likely benign. Last evaluated: 2020-05-11. Review status: criteria provided, single submitter. Criteria: GeneDx Variant Classification Process June 2021. Collection method: clinical testing. Allele origin: germline. Affected: yes.
Comment: This variant is associated with the following publications: (PMID: 17640065, 28779002)

Color Diagnostics, LLC DBA Color Health
Classification: Likely benign for Hereditary cancer-predisposing syndrome. Last evaluated: 2016-11-22. Review status: criteria provided, single submitter. Criteria: ACMG Guidelines, 2015. Collection method: clinical testing. Allele origin: germline.

Ambry Genetics
Classification: Likely benign for Hereditary cancer-predisposing syndrome. Last evaluated: 2014-12-01. Review status: criteria provided, single submitter. Criteria: Ambry Variant Classification Scheme 2023. Collection method: clinical testing. Allele origin: germline.

PreventionGenetics, part of Exact Sciences
Classification: Likely benign for ATM-related condition. Last evaluated: 2019-03-28. Review status: no assertion criteria provided. Collection method: clinical testing. Allele origin: germline. Not counted in ClinVar's aggregate classification.
Comment: This variant is classified as likely benign based on ACMG/AMP sequence variant interpretation guidelines (Richards et al. 2015 PMID: 25741868, with internal and published modifications).

Literature cited by the submitters: PubMed 28779002 (cited by Department of Pathology and Laboratory Medicine, Sinai Health System); PubMed 17640065 (cited by 3 submitters); PubMed 30287823 (cited by Department of Pathology and Laboratory Medicine, Sinai Health System).